The following is an entry in ClinVar:

ClinVar aggregate classification (germline): Uncertain significance (1 of 4 stars; one submission).

Submission:

Labcorp Genetics (formerly Invitae), Labcorp
Classification: Uncertain significance. Last evaluated: 2022-04-02. Review status: criteria provided, single submitter. Criteria: Invitae Variant Classification Sherloc (09022015). Collection method: clinical testing. Allele origin: germline.
Comment: In summary, the available evidence is currently insufficient to determine the role of this variant in disease. Therefore, it has been classified as a Variant of Uncertain Significance. Algorithms developed to predict the effect of missense changes on protein structure and function (SIFT, PolyPhen-2, Align-GVGD) all suggest that this variant is likely to be disruptive. This variant has not been reported in the literature in individuals affected with NBAS-related conditions. This variant is not present in population databases (gnomAD no frequency). This sequence change replaces glycine, which is neutral and non-polar, with glutamic acid, which is acidic and polar, at codon 154 of the NBAS protein (p.Gly154Glu).

NM_015909.4(NBAS):c.461G>A (p.Gly154Glu)

Gene: NBAS (NBAS subunit of NRZ tethering complex; minus strand). Cytogenetic location: 2p24.3.
Variant type: single nucleotide variant.
Coding change: c.461G>A on transcript NM_015909.4 (MANE Select); coding-DNA position 461, G replaced by A.
Protein change: p.Gly154Glu; replaces glycine 154 with glutamic acid.
Molecular consequence: missense variant. On other transcripts: non-coding transcript variant (1).
Genome position (GRCh38, 1-based): chr2:15,539,275, C>T on the plus strand (G>A on the coding strand, the complement: NBAS is on the minus strand). VCF-style: chr2-15539275-C-T. GRCh37 (hg19) VCF-style: chr2-15679399-C-T.
Other names: short protein forms G154E.
Identifiers: ClinVar variation 2067961 (VCV002067961.4), dbSNP rs2527952867, ClinGen allele CA345887928.